The following is an entry in ClinVar:

NM_001059.3(TACR3):c.1090C>T (p.Arg364Ter)

Genes: TACR3 (tachykinin receptor 3; minus strand), TACR3-AS1 (TACR3 antisense RNA 1; plus strand). Cytogenetic location: 4q24.
Variant type: single nucleotide variant.
Coding change: c.1090C>T on transcript NM_001059.3 (MANE Select); coding-DNA position 1090, C replaced by T.
Protein change: p.Arg364Ter; replaces arginine 364 with a stop codon.
Molecular consequence: nonsense.
Genome position (GRCh38, 1-based): chr4:103,589,990, G>A on the plus strand (C>T on the coding strand, the complement: TACR3 is on the minus strand). VCF-style: chr4-103589990-G-A. GRCh37 (hg19) VCF-style: chr4-104511147-G-A.
Other names: short protein forms R364*.
Identifiers: ClinVar variation 2964605 (VCV002964605.3), dbSNP rs199740086, ClinGen allele CA3030960.

ClinVar aggregate classification (germline): Likely pathogenic (1 of 4 stars; one submission).

Allele frequency attached by ClinVar (database versions not stated): TOPMed below 0.00001; gnomAD 0.00001; ExAC 0.00002.
gnomAD v4.1: 16 of 1,611,562 alleles (0.00099%); highest among the groups gnomAD compares: South Asian, 0.0055%; no homozygotes.

Submission:

Labcorp Genetics (formerly Invitae), Labcorp
Classification: Likely pathogenic. Last evaluated: 2023-10-08. Review status: criteria provided, single submitter. Criteria: Invitae Variant Classification Sherloc (09022015). Collection method: clinical testing. Allele origin: germline.
Comment: This sequence change creates a premature translational stop signal (p.Arg364*) in the TACR3 gene. While this is not anticipated to result in nonsense mediated decay, it is expected to disrupt the last 102 amino acid(s) of the TACR3 protein. This variant is present in population databases (rs199740086, gnomAD 0.01%). This premature translational stop signal has been observed in individuals with clinical features of hypogonadotropic hypogonadism and/or idiopathic hypogonadotropic hypogonadism (PMID: 34403359, 35133534; Invitae). It has also been observed to segregate with disease in related individuals. In summary, the currently available evidence indicates that the variant is pathogenic, but additional data are needed to prove that conclusively. Therefore, this variant has been classified as Likely Pathogenic.

Literature cited by the submitters: PubMed 34403359; PubMed 35133534.